The following is an entry in ClinVar:

ClinVar aggregate classification (germline): Uncertain significance (1 of 4 stars; one submission).

Conditions:
Agammaglobulinemia 4, autosomal recessive (AGM4). Also called: AGAMMAGLOBULINEMIA, AUTOSOMAL RECESSIVE, DUE TO BLNK DEFECT; B cell linker protein deficiency. Identifiers: MedGen C3150752, MONDO:0013289, OMIM 613502.

Allele frequency attached by ClinVar (database versions not stated): gnomAD exomes below 0.00001 and 0.00001; gnomAD 0.00001; TOPMed 0.00001.
gnomAD v4.1: 8 of 1,614,068 alleles (0.0005%); highest among the groups gnomAD compares: South Asian, 0.0022%; no homozygotes.

Submission:

Labcorp Genetics (formerly Invitae), Labcorp
Classification: Uncertain significance for Agammaglobulinemia 4, autosomal recessive. Last evaluated: 2021-08-28. Review status: criteria provided, single submitter. Criteria: Invitae Variant Classification Sherloc (09022015). Collection method: clinical testing. Allele origin: germline.
Comment: This sequence change replaces proline with alanine at codon 110 of the BLNK protein (p.Pro110Ala). The proline residue is moderately conserved and there is a small physicochemical difference between proline and alanine. This variant is not present in population databases (ExAC no frequency). This missense change has been observed in individual(s) with selective immunoglobulin M deficiency and impaired B-cell homeostasis (PMID: 30619340). Algorithms developed to predict the effect of missense changes on protein structure and function (SIFT, PolyPhen-2, Align-GVGD) all suggest that this variant is likely to be tolerated. In summary, the available evidence is currently insufficient to determine the role of this variant in disease. Therefore, it has been classified as a Variant of Uncertain Significance.

Literature cited by the submitters: PubMed 30619340.

NM_013314.4(BLNK):c.328C>G (p.Pro110Ala)

Gene: BLNK (B cell linker; minus strand). Cytogenetic location: 10q24.1.
Variant type: single nucleotide variant.
Coding change: c.328C>G on transcript NM_013314.4 (MANE Select); coding-DNA position 328, C replaced by G.
Protein change: p.Pro110Ala; replaces proline 110 with alanine.
Molecular consequence: missense variant. On other transcripts: non-coding transcript variant (4).
Genome position (GRCh38, 1-based): chr10:96,227,443, G>C on the plus strand (C>G on the coding strand, the complement: BLNK is on the minus strand). VCF-style: chr10-96227443-G-C. GRCh37 (hg19) VCF-style: chr10-97987199-G-C.
Other names: c.328C>G, p.Pro110Ala (NM_001114094.2, NM_001258440.2, NM_001258441.2 and 1 more transcripts); short protein forms P110A.
Identifiers: ClinVar variation 1016106 (VCV001016106.6), dbSNP rs1554902771, ClinGen allele CA377725323.
Genomic context (GRCh38, chr10:96,227,443, plus strand): 5'-AGTGCCCAGGTCTGCGGGGGACCTCACCTATATACTCGCCTCTGGCGAAGGGCAGGGCTG[G>C]GTGAACCGGCCTGGTTTCCTGCTCTACTGGAGGCGGCTCGTAGCTGTCATCAGCGTTCTC-3'
Protein context (NP_037446.1, residues 100-120): PVEQETRPVH[Pro110Ala]ALPFARGEYI